The following is an entry in ClinVar:

ClinVar aggregate classification (germline): Likely benign. Review status: criteria provided, multiple submitters, no conflicts (2 of 4 stars). 3 submissions from 3 submitters: Likely benign (2). 1 of the submissions does not count toward it. Last evaluated 2025-08-01.

Conditions:
FITM2-related disorder. Also called: FITM2-related condition.

Allele frequency attached by ClinVar (database versions not stated): ExAC 0.00058; 1000 Genomes Project 0.00120; 1000 Genomes Project 30x 0.00172; gnomAD 0.00218; TOPMed 0.00240; ESP Exome Variant Server 0.00284.
gnomAD v4.1: 690 of 1,614,184 alleles (0.043%); highest among the groups gnomAD compares: African/African-American, 0.8%; 2 homozygotes.

Submissions (3):

CeGaT Center for Human Genetics Tuebingen
Classification: Likely benign. Last evaluated: 2025-08-01. Review status: criteria provided, single submitter. Criteria: CeGaT Center For Human Genetics Tuebingen Variant Classification Criteria Version 2. Collection method: clinical testing. Allele origin: germline. Affected: yes. Observed: 1 variant allele.
Comment: FITM2: BP4, BP7

Blueprint Genetics
Classification: Likely benign. Last evaluated: 2024-09-30. Review status: criteria provided, single submitter. Criteria: ACMG Guidelines, 2015. Collection method: clinical testing. Allele origin: germline.

PreventionGenetics, part of Exact Sciences
Classification: Benign for FITM2-related condition. Last evaluated: 2019-08-06. Review status: no assertion criteria provided. Collection method: clinical testing. Allele origin: germline. Not counted in ClinVar's aggregate classification.
Comment: This variant is classified as benign based on ACMG/AMP sequence variant interpretation guidelines (Richards et al. 2015 PMID: 25741868, with internal and published modifications).

NM_001080472.4(FITM2):c.291G>A (p.Leu97=)

Gene: FITM2 (fat storage inducing transmembrane protein 2; minus strand). Cytogenetic location: 20q13.12.
Variant type: single nucleotide variant.
Coding change: c.291G>A on transcript NM_001080472.4 (MANE Select); coding-DNA position 291, G replaced by A.
Protein change: p.Leu97=; no amino-acid change (leucine 97 retained).
Molecular consequence: synonymous variant.
Genome position (GRCh38, 1-based): chr20:44,307,123, C>T on the plus strand (G>A on the coding strand, the complement: FITM2 is on the minus strand). VCF-style: chr20-44307123-C-T. GRCh37 (hg19) VCF-style: chr20-42935763-C-T.
Identifiers: ClinVar variation 3038894 (VCV003038894.11), dbSNP rs143204147, ClinGen allele CA9869621.
Genomic context (GRCh38, chr20:44,307,123, plus strand): 5'-GTAGTGTTCGATGTTGGAGAAGATGGAGGTGCAGATGTACCAGATGGCCGTGCCCACAAG[C>T]AGGGTGCTCAGCCGCCGCAGGACCAAGCCAGCCTTGCCGGTCAGATGGTAGTTGGTGAGG-3'
Protein context (NP_001073941.1, residues 87-107): AGLVLRRLST[Leu97=]LVGTAIWYIC